The following is an entry in ClinVar:

NM_002633.3(PGM1):c.794A>G (p.Asn265Ser)

Gene: PGM1 (phosphoglucomutase 1; plus strand). Cytogenetic location: 1p31.3.
Variant type: single nucleotide variant.
Coding change: c.794A>G on transcript NM_002633.3 (MANE Select); coding-DNA position 794, A replaced by G.
Protein change: p.Asn265Ser; replaces asparagine 265 with serine.
Molecular consequence: missense variant.
Genome position (GRCh38, 1-based): chr1:63,634,940, A>G. VCF-style: chr1-63634940-A-G. GRCh37 (hg19) VCF-style: chr1-64100611-A-G.
Other names: c.848A>G, p.Asn283Ser (NM_001172818.1); c.203A>G, p.Asn68Ser (NM_001172819.2); short protein forms N283S, N68S, N265S.
Identifiers: ClinVar variation 2199995 (VCV002199995.4), dbSNP rs745337103, ClinGen allele CA340649863.

ClinVar aggregate classification (germline): Uncertain significance (1 of 4 stars; one submission).

Conditions:
PGM1-congenital disorder of glycosylation. Also called: CDG It; GLYCOGEN STORAGE DISEASE XIV; GSD XIV; Congenital disorder of glycosylation type 1t; PHOSPHOGLUCOMUTASE 1 DEFICIENCY; PGM1 DEFICIENCY. Identifiers: Orphanet 319646, MedGen C2752015, MONDO:0013968, OMIM 614921.

Allele frequency attached by ClinVar (database versions not stated): gnomAD 0.00001; TOPMed 0.00001.
gnomAD v4.1: 10 of 1,613,794 alleles (0.00062%); highest among the groups gnomAD compares: African/African-American, 0.0013%; no homozygotes.

Submission:

Labcorp Genetics (formerly Invitae), Labcorp
Classification: Uncertain significance for PGM1-congenital disorder of glycosylation. Last evaluated: 2022-05-19. Review status: criteria provided, single submitter. Criteria: Invitae Variant Classification Sherloc (09022015). Collection method: clinical testing. Allele origin: germline.
Comment: In summary, the available evidence is currently insufficient to determine the role of this variant in disease. Therefore, it has been classified as a Variant of Uncertain Significance. Algorithms developed to predict the effect of missense changes on protein structure and function (SIFT, PolyPhen-2, Align-GVGD) all suggest that this variant is likely to be disruptive. This variant has not been reported in the literature in individuals affected with PGM1-related conditions. This variant is present in population databases (no rsID available, gnomAD 0.007%). This sequence change replaces asparagine, which is neutral and polar, with serine, which is neutral and polar, at codon 265 of the PGM1 protein (p.Asn265Ser).